The following is an entry in ClinVar:

NM_000124.4(ERCC6):c.2286+1G>T

Gene: ERCC6 (ERCC excision repair 6, chromatin remodeling factor; minus strand). Cytogenetic location: 10q11.23.
Variant type: single nucleotide variant.
Coding change: c.2286+1G>T on transcript NM_000124.4 (MANE Select); the canonical splice donor site of the intron after coding-DNA position 2286, G replaced by T.
Molecular consequence: splice donor variant.
Genome position (GRCh38, 1-based): chr10:49,478,353, C>A on the plus strand (G>T on the coding strand, the complement: ERCC6 is on the minus strand). VCF-style: chr10-49478353-C-A. GRCh37 (hg19) VCF-style: chr10-50686399-C-A.
Other names: c.2286+1G>T (NM_001346440.2).
Identifiers: ClinVar variation 1074056 (VCV001074056.8), dbSNP rs1362935450, ClinGen allele CA376723372.
Genomic context (GRCh38, chr10:49,478,353, plus strand): 5'-AGTGAAGGGAAAGACACACTTGTGCTTTAGGAATGCTTCGTTAACTCCTGGATTTACAGA[C>A]CTGTTCATTTTTATCTGGCAAAGAAAGGCTCATCTTGACATCTGACTTCATTCTCCGCAG-3'

ClinVar aggregate classification (germline): Pathogenic (1 of 4 stars; one submission).

Submissions (2):

Labcorp Genetics (formerly Invitae), Labcorp
Classification: Pathogenic. Last evaluated: 2020-08-14. Review status: criteria provided, single submitter. Criteria: Invitae Variant Classification Sherloc (09022015). Collection method: clinical testing. Allele origin: germline.
Comment: This sequence change affects a donor splice site in intron 11 of the ERCC6 gene. It is expected to disrupt RNA splicing and likely results in an absent or disrupted protein product. This variant is not present in population databases (ExAC no frequency). Disruption of this splice site has been observed in individual(s) with Cockayne syndrome (PMID: 29572252). Experimental studies have shown that this splice change disrupts mRNA splicing (PMID: 29572252). Donor and acceptor splice site variants typically lead to a loss of protein function (PMID: 16199547), and loss-of-function variants in ERCC6 are known to be pathogenic (PMID: 18628313, 29572252). For these reasons, this variant has been classified as Pathogenic.

Dr. Peter K. Rogan Lab, Western University
No classification provided (evidence only). Condition: Gastric cancer. Review status: no classification provided. Collection method: in vitro. Allele origin: not applicable. Functional consequence: retained intron. Not counted in ClinVar's aggregate classification.

Literature cited by the submitters: PubMed 29572252 (cited by Labcorp Genetics (formerly Invitae), Labcorp); PubMed 16199547 (cited by Labcorp Genetics (formerly Invitae), Labcorp); PubMed 18628313 (cited by Labcorp Genetics (formerly Invitae), Labcorp).